The following is an entry in ClinVar:

NM_001273.5(CHD4):c.5292T>C (p.Pro1764=)

Genes: CHD4 (chromodomain helicase DNA binding protein 4; minus strand), CHD4-AS1 (CHD4 antisense RNA 1; plus strand). Cytogenetic location: 12p13.31.
Variant type: single nucleotide variant.
Coding change: c.5292T>C on transcript NM_001273.5 (MANE Select); coding-DNA position 5292, T replaced by C.
Protein change: p.Pro1764=; no amino-acid change (proline 1764 retained).
Molecular consequence: synonymous variant.
Genome position (GRCh38, 1-based): chr12:6,577,854, A>G on the plus strand (T>C on the coding strand, the complement: CHD4 is on the minus strand). VCF-style: chr12-6577854-A-G. GRCh37 (hg19) VCF-style: chr12-6687020-A-G.
Other names: c.5271T>C, p.Pro1757= (NM_001297553.2); c.5259T>C, p.Pro1753= (NM_001363606.2).
Identifiers: ClinVar variation 770409 (VCV000770409.43), dbSNP rs71584868, ClinGen allele CA6411255.

ClinVar aggregate classification (germline): Benign/Likely benign. Review status: criteria provided, multiple submitters, no conflicts (2 of 4 stars). 6 submissions from 6 submitters: Benign (4); Likely benign (1). 1 of the submissions does not count toward it. Last evaluated 2026-04-01.

Conditions:
CHD4-related disorder. Also called: CHD4-related condition.
Sifrim-Hitz-Weiss syndrome (SIHIWES). Also called: CHD4 Neurodevelopmental Disorder; SIFRIM-HITZ-WEISS MULTIPLE CONGENITAL ANOMALIES-MENTAL RETARDATION SYNDROME. Identifiers: Orphanet 653712, MedGen C4310688, MONDO:0014946, OMIM 617159.

Allele frequency attached by ClinVar (database versions not stated): 1000 Genomes Project 0.00140; 1000 Genomes Project 30x 0.00141; gnomAD 0.00526 and 0.00534; ExAC 0.00532; gnomAD exomes 0.00537 and 0.00725; TOPMed 0.00546; ESP Exome Variant Server 0.00661.
gnomAD v4.1: 11,428 of 1,614,222 alleles (0.71%); highest among the groups gnomAD compares: Non-Finnish European, 0.84%; 45 homozygotes.

Submissions (6):

CeGaT Center for Human Genetics Tuebingen
Classification: Benign. Last evaluated: 2026-04-01. Review status: criteria provided, single submitter. Criteria: CeGaT Center For Human Genetics Tuebingen Variant Classification Criteria Version 2. Collection method: clinical testing. Allele origin: germline. Affected: yes. Observed: 29 variant alleles.
Comment: CHD4: BP4, BP7, BS1, BS2

Labcorp Genetics (formerly Invitae), Labcorp
Classification: Benign. Last evaluated: 2026-01-15. Review status: criteria provided, single submitter. Criteria: Invitae Variant Classification Sherloc (09022015). Collection method: clinical testing. Allele origin: germline.

Fulgent Genetics
Classification: Likely benign for Sifrim-Hitz-Weiss syndrome. Last evaluated: 2022-05-31. Review status: criteria provided, single submitter. Criteria: ACMG Guidelines, 2015. Collection method: clinical testing. Allele origin: unknown.

Genetic Services Laboratory, University of Chicago
Classification: Benign. Last evaluated: 2019-02-19. Review status: criteria provided, single submitter. Criteria: ACMG Guidelines, 2015. Collection method: clinical testing. Allele origin: germline. Affected: no.

Breakthrough Genomics
Classification: Benign. Review status: criteria provided, single submitter. Criteria: ACMG Guidelines, 2015. Collection method: not provided. Allele origin: germline. Inheritance: Autosomal dominant inheritance. Affected: yes.

PreventionGenetics, part of Exact Sciences
Classification: Benign for CHD4-related condition. Last evaluated: 2021-08-10. Review status: no assertion criteria provided. Collection method: clinical testing. Allele origin: germline. Not counted in ClinVar's aggregate classification.
Comment: This variant is classified as benign based on ACMG/AMP sequence variant interpretation guidelines (Richards et al. 2015 PMID: 25741868, with internal and published modifications).